The following is an entry in ClinVar:

ClinVar aggregate classification (germline): Uncertain significance (1 of 4 stars; one submission).

Submission:

CeGaT Center for Human Genetics Tuebingen
Classification: Uncertain significance. Last evaluated: 2026-08-01. Review status: criteria provided, single submitter. Criteria: CeGaT Center For Human Genetics Tuebingen Variant Classification Criteria Version 2. Collection method: clinical testing. Allele origin: germline. Affected: yes. Observed: 1 variant allele.
Comment: DST: PM2, BP4

NM_001723.7(DST):c.4364C>T (p.Ala1455Val)

Gene: DST (dystonin; minus strand). Cytogenetic location: 6p12.1.
Variant type: single nucleotide variant.
Coding change: c.4364C>T on transcript NM_001723.7 (MANE Plus Clinical); coding-DNA position 4364, C replaced by T.
Protein change: p.Ala1455Val; replaces alanine 1455 with valine.
Molecular consequence: missense variant. On other transcripts: intron variant (10).
Genome position (GRCh38, 1-based): chr6:56,619,670, G>A on the plus strand (C>T on the coding strand, the complement: DST is on the minus strand). VCF-style: chr6-56619670-G-A. GRCh37 (hg19) VCF-style: chr6-56484468-G-A.
Other names: c.4830+4860C>T (NM_001144769.5); c.4929+4860C>T (NM_001374722.1, NM_001374736.1); c.4956+4860C>T (NM_001374734.1); c.4416+4860C>T (NM_001144770.2); c.4296+4860C>T (NM_001374730.1, NM_001386100.1, NM_183380.4 and 1 more transcripts); c.3318+4860C>T (NM_015548.5); short protein forms A1455V.
Identifiers: ClinVar variation 5040418 (VCV005040418.1).